The following is an entry in ClinVar:

ClinVar aggregate classification (germline): Uncertain significance. Review status: criteria provided, multiple submitters, no conflicts (2 of 4 stars). 2 submissions from 2 submitters: Uncertain significance (2). Last evaluated 2025-12-16.

Conditions:
LOXL3-related disorder. Also called: LOXL3-related condition.

gnomAD v4.1: 18 of 1,613,674 alleles (0.0011%); highest among the groups gnomAD compares: African/African-American, 0.004%; no homozygotes.

Submissions (2):

PreventionGenetics, part of Exact Sciences
Classification: Uncertain significance for LOXL3-related condition. Last evaluated: 2025-12-16. Review status: criteria provided, single submitter. Criteria: ACMG Guidelines, 2015. Collection method: clinical testing. Allele origin: germline.
Comment: The LOXL3 c.224C>T variant is predicted to result in the amino acid substitution p.Thr75Met. To our knowledge, this variant has not been reported in the literature. This variant is reported in 0.0062% of alleles in individuals of African descent in gnomAD. At this time, the clinical significance of this variant is uncertain due to the absence of conclusive functional and genetic evidence.

Ambry Genetics
Classification: Uncertain significance. Last evaluated: 2025-08-31. Review status: criteria provided, single submitter. Criteria: Ambry Variant Classification Scheme 2023. Collection method: clinical testing. Allele origin: germline.

NM_032603.5(LOXL3):c.224C>T (p.Thr75Met)

Genes: DOK1 (docking protein 1; plus strand), LOXL3 (lysyl oxidase like 3; minus strand). Cytogenetic location: 2p13.1.
Variant type: single nucleotide variant.
Coding change: c.224C>T on transcript NM_032603.5 (MANE Select); coding-DNA position 224, C replaced by T.
Protein change: p.Thr75Met; replaces threonine 75 with methionine.
Molecular consequence: missense variant. On other transcripts: intron variant (1).
Genome position (GRCh38, 1-based): chr2:74,552,411, G>A on the plus strand (C>T on the coding strand, the complement: LOXL3 is on the minus strand). VCF-style: chr2-74552411-G-A. GRCh37 (hg19) VCF-style: chr2-74779538-G-A.
Other names: c.224C>T, p.Thr75Met (NM_001289164.3); c.-357-2743G>A (NM_001197260.2); short protein forms T75M.
Identifiers: ClinVar variation 4099058 (VCV004099058.2).